The following is an entry in ClinVar:

NM_005993.5(TBCD):c.2632A>G (p.Ser878Gly)

Gene: TBCD (tubulin folding cofactor D). Cytogenetic location: 17q25.3.
Variant type: single nucleotide variant.
Coding change: c.2632A>G on transcript NM_005993.5 (MANE Select); coding-DNA position 2632, A replaced by G.
Protein change: p.Ser878Gly; replaces serine 878 with glycine.
Molecular consequence: missense variant.
Genome position (GRCh38, 1-based): chr17:82,927,927, A>G. VCF-style: chr17-82927927-A-G. GRCh37 (hg19) VCF-style: chr17-80885803-A-G.
Other names: c.2581A>G, p.Ser861Gly (NM_001411101.1); c.2551A>G, p.Ser851Gly (NM_001411102.1); short protein forms S851G, S861G, S878G.
Identifiers: ClinVar variation 2081981 (VCV002081981.1), dbSNP rs543770055, ClinGen allele CA8863169.

ClinVar aggregate classification (germline): Uncertain significance (1 of 4 stars; one submission).

Allele frequency attached by ClinVar (database versions not stated): gnomAD 0.00001; gnomAD exomes 0.00001; TOPMed 0.00001; ExAC 0.00002; 1000 Genomes Project 30x 0.00016; 1000 Genomes Project 0.00020.
gnomAD v4.1: 7 of 1,613,502 alleles (0.00043%); highest among the groups gnomAD compares: Admixed American, 0.012%; no homozygotes.

Submission:

Labcorp Genetics (formerly Invitae), Labcorp
Classification: Uncertain significance. Last evaluated: 2022-08-08. Review status: criteria provided, single submitter. Criteria: Invitae Variant Classification Sherloc (09022015). Collection method: clinical testing. Allele origin: germline.
Comment: This sequence change replaces serine, which is neutral and polar, with glycine, which is neutral and non-polar, at codon 878 of the TBCD protein (p.Ser878Gly). This variant is present in population databases (rs543770055, gnomAD 0.02%). This variant has not been reported in the literature in individuals affected with TBCD-related conditions. Algorithms developed to predict the effect of missense changes on protein structure and function output the following: SIFT: "Tolerated"; PolyPhen-2: "Benign"; Align-GVGD: "Class C0". The glycine amino acid residue is found in multiple mammalian species, which suggests that this missense change does not adversely affect protein function. In summary, the available evidence is currently insufficient to determine the role of this variant in disease. Therefore, it has been classified as a Variant of Uncertain Significance.